The following is an entry in ClinVar:

ClinVar aggregate classification (germline): Likely pathogenic (1 of 4 stars; one submission).

Conditions:
Tay-Sachs disease (TSD). Also called: GM2 gangliosidosis, type 1; Hexosaminidase alpha-subunit deficiency (variant B); Sphingolipidosis, Tay-Sachs; Hexosaminidase A Deficiency; HEXA DEFICIENCY; HEXA Disorders. Identifiers: Orphanet 845, MedGen C0039373, MONDO:0010100, OMIM 272800.

gnomAD v4.1: 1 of 1,614,056 alleles (0.000062%); highest among the groups gnomAD compares: South Asian, 0.0011%; no homozygotes.

Submission:

Myriad Genetics, Inc.
Classification: Likely pathogenic for Tay-Sachs disease. Last evaluated: 2022-02-17. Review status: criteria provided, single submitter. Criteria: Myriad Women's Health Autosomal Recessive and X-Linked Classification Criteria (2021). Collection method: clinical testing. Allele origin: unknown.
Comment: NM_000520.4(HEXA):c.1260G>A(W420*) is expected to be pathogenic in the context of hexosaminidase A deficiency. This variant is predicted to lead to an abnormal or absent protein product due to the creation of a premature termination codon in HEXA, a gene where loss-of-function variants are known to be pathogenic. Please note: this variant was assessed in the context of healthy population screening.

NM_000520.6(HEXA):c.1260G>A (p.Trp420Ter)

Gene: HEXA (hexosaminidase subunit alpha; minus strand). Cytogenetic location: 15q23.
Variant type: single nucleotide variant.
Coding change: c.1260G>A on transcript NM_000520.6 (MANE Select); coding-DNA position 1260, G replaced by A.
Protein change: p.Trp420Ter; replaces tryptophan 420 with a stop codon.
Molecular consequence: nonsense.
Genome position (GRCh38, 1-based): chr15:72,346,597, C>T on the plus strand (G>A on the coding strand, the complement: HEXA is on the minus strand). VCF-style: chr15-72346597-C-T. GRCh37 (hg19) VCF-style: chr15-72638938-C-T.
Other names: c.1293G>A, p.Trp431Ter (NM_001318825.2); short protein forms W420*, W431*.
Identifiers: ClinVar variation 1724507 (VCV001724507.2), dbSNP rs121907958, ClinGen allele CA393060767.